The following is an entry in ClinVar:

NM_032977.4(CASP10):c.1159C>G (p.Pro387Ala)

Gene: CASP10 (caspase 10; plus strand). Cytogenetic location: 2q33.1.
Variant type: single nucleotide variant.
Coding change: c.1159C>G on transcript NM_032977.4 (MANE Select); coding-DNA position 1159, C replaced by G.
Protein change: p.Pro387Ala; replaces proline 387 with alanine.
Molecular consequence: missense variant. On other transcripts: 3 prime UTR variant (1).
Genome position (GRCh38, 1-based): chr2:201,209,306, C>G. VCF-style: chr2-201209306-C-G. GRCh37 (hg19) VCF-style: chr2-202074029-C-G.
Other names: c.1159C>G (NM_032977.3); c.958C>G, p.Pro320Ala (NM_001206524.2); c.1030C>G, p.Pro344Ala (NM_001206542.2, NM_001230.5); c.1159C>G, p.Pro387Ala (NM_032974.5); c.*245C>G (NM_032976.4); short protein forms P320A, P344A, P387A.
Identifiers: ClinVar variation 1251933 (VCV001251933.10), dbSNP rs759782468, ClinGen allele CA2053191.

ClinVar aggregate classification (germline): Uncertain significance. Review status: criteria provided, multiple submitters, no conflicts (2 of 4 stars). 5 submissions from 5 submitters: Uncertain significance (5). Last evaluated 2025-03-04.

Conditions:
CASP10-related disorder. Also called: CASP10-related condition.
Autoimmune lymphoproliferative syndrome type 2A (ALPS2A). Also called: CASP10-Related Autoimmune Lymphoproliferative Syndrome; AUTOIMMUNE LYMPHOPROLIFERATIVE SYNDROME, TYPE IIA; Autoimmune lymphoproliferative syndrome type 2. Identifiers: Orphanet 3261, MedGen C1858968, MONDO:0011383, OMIM 603909.

Allele frequency attached by ClinVar (database versions not stated): ExAC 0.00001; gnomAD 0.00001; gnomAD exomes 0.00001; TOPMed 0.00002.
gnomAD v4.1: 52 of 1,614,058 alleles (0.0032%); highest among the groups gnomAD compares: Non-Finnish European, 0.0044%; no homozygotes.

Submissions (5):

Center for Genomic Medicine, Rigshospitalet, Copenhagen University Hospital
Classification: Uncertain significance. Last evaluated: 2025-03-04. Review status: criteria provided, single submitter. Criteria: ACMG Guidelines, 2015. Collection method: clinical testing. Allele origin: germline.

Labcorp Genetics (formerly Invitae), Labcorp
Classification: Uncertain significance for Autoimmune lymphoproliferative syndrome type 2A. Last evaluated: 2024-06-13. Review status: criteria provided, single submitter. Criteria: Invitae Variant Classification Sherloc (09022015). Collection method: clinical testing. Allele origin: germline.
Comment: This sequence change replaces proline, which is neutral and non-polar, with alanine, which is neutral and non-polar, at codon 387 of the CASP10 protein (p.Pro387Ala). This variant is present in population databases (rs759782468, gnomAD 0.004%). This variant has not been reported in the literature in individuals affected with CASP10-related conditions. ClinVar contains an entry for this variant (Variation ID: 1251933). Advanced modeling of protein sequence and biophysical properties (such as structural, functional, and spatial information, amino acid conservation, physicochemical variation, residue mobility, and thermodynamic stability) performed at Invitae indicates that this missense variant is not expected to disrupt CASP10 protein function with a negative predictive value of 80%. In summary, the available evidence is currently insufficient to determine the role of this variant in disease. Therefore, it has been classified as a Variant of Uncertain Significance.

PreventionGenetics, part of Exact Sciences
Classification: Uncertain significance for CASP10-related condition. Last evaluated: 2023-03-28. Review status: criteria provided, single submitter. Criteria: ACMG Guidelines, 2015. Collection method: clinical testing. Allele origin: germline.
Comment: The CASP10 c.1159C>G variant is predicted to result in the amino acid substitution p.Pro387Ala. To our knowledge, this variant has not been reported in the literature. This variant is reported in 0.0031% of alleles in individuals of European (Non-Finnish) descent in gnomAD. At this time, the clinical significance of this variant is uncertain due to the absence of conclusive functional and genetic evidence.

Institute for Clinical Genetics, University Hospital TU Dresden, University Hospital TU Dresden
Classification: Uncertain significance. Last evaluated: 2022-10-18. Review status: criteria provided, single submitter. Criteria: ACMG Guidelines, 2015. Collection method: clinical testing. Allele origin: germline.
Comment: PM2_SUP

HudsonAlpha Institute for Biotechnology
Classification: Uncertain significance for Autoimmune lymphoproliferative syndrome type 2A. Last evaluated: 2020-12-22. Review status: criteria provided, single submitter. Criteria: ACMG Guidelines, 2015. Collection method: research. Allele origin: unknown. Observed: 1 variant allele. Study: HudsonAlpha-AGHI-WGS.
Comment: ACMG codes:PM2, PP3